The following is an entry in ClinVar:

NM_001130144.3(LTBP3):c.2339G>T (p.Gly780Val)

Genes: LTBP3 (latent transforming growth factor beta binding protein 3; minus strand), LOC130006029 (ATAC-STARR-seq lymphoblastoid silent region 3532; plus strand). Cytogenetic location: 11q13.1.
Variant type: single nucleotide variant.
Coding change: c.2339G>T on transcript NM_001130144.3 (MANE Select); coding-DNA position 2339, G replaced by T.
Protein change: p.Gly780Val; replaces glycine 780 with valine.
Molecular consequence: missense variant.
Genome position (GRCh38, 1-based): chr11:65,546,456, C>A on the plus strand (G>T on the coding strand, the complement: LTBP3 is on the minus strand). VCF-style: chr11-65546456-C-A. GRCh37 (hg19) VCF-style: chr11-65313927-C-A.
Other names: c.1988G>T, p.Gly663Val (NM_001164266.1); c.2339G>T, p.Gly780Val (NM_021070.4); c.2339G>T (NM_001130144.2); short protein forms G663V, G780V.
Identifiers: ClinVar variation 2877199 (VCV002877199.4), dbSNP rs1344419395, ClinGen allele CA381269601.

ClinVar aggregate classification (germline): Uncertain significance. Review status: criteria provided, multiple submitters, no conflicts (2 of 4 stars). 2 submissions from 2 submitters: Uncertain significance (2). Last evaluated 2025-10-01.

Conditions:
Inborn genetic diseases. Identifiers: MedGen C0950123, MeSH D030342.
Brachyolmia-amelogenesis imperfecta syndrome. Also called: PLATYSPONDYLY WITH AMELOGENESIS IMPERFECTA; Tooth agenesis, selective, 6; Dental anomalies and short stature. Identifiers: Orphanet 2899, MedGen C1832594, MONDO:0011018, OMIM 601216. Disease mechanism: loss of function.

gnomAD v4.1: 14 of 1,567,722 alleles (0.00089%); highest among the groups gnomAD compares: Non-Finnish European, 0.001%; no homozygotes.

Submissions (2):

Labcorp Genetics (formerly Invitae), Labcorp
Classification: Uncertain significance for Brachyolmia-amelogenesis imperfecta syndrome. Last evaluated: 2025-10-01. Review status: criteria provided, single submitter. Criteria: Invitae Variant Classification Sherloc (09022015). Collection method: clinical testing. Allele origin: germline.
Comment: This sequence change replaces glycine, which is neutral and non-polar, with valine, which is neutral and non-polar, at codon 780 of the LTBP3 protein (p.Gly780Val). The frequency data for this variant in the population databases is considered unreliable, as metrics indicate poor data quality at this position in the gnomAD database. This variant has not been reported in the literature in individuals affected with LTBP3-related conditions. ClinVar contains an entry for this variant (Variation ID: 2877199). An algorithm developed to predict the effect of missense changes on protein structure and function (PolyPhen-2) suggests that this variant is likely to be disruptive. In summary, the available evidence is currently insufficient to determine the role of this variant in disease. Therefore, it has been classified as a Variant of Uncertain Significance.

Ambry Genetics
Classification: Uncertain significance for Inborn genetic diseases. Last evaluated: 2025-09-07. Review status: criteria provided, single submitter. Criteria: Ambry Variant Classification Scheme 2023. Collection method: clinical testing. Allele origin: germline.
Comment: The p.G780V variant (also known as c.2339G>T), located in coding exon 16 of the LTBP3 gene, results from a G to T substitution at nucleotide position 2339. The glycine at codon 780 is replaced by valine, an amino acid with dissimilar properties. This amino acid position is conserved. In addition, the in silico prediction for this alteration is inconclusive. Based on the available evidence, the clinical significance of this variant remains unclear.